The following is an entry in ClinVar:

ClinVar aggregate classification (germline): Pathogenic. Review status: criteria provided, multiple submitters, no conflicts (2 of 4 stars). 2 submissions from 2 submitters: Pathogenic (2). Last evaluated 2025-04-03.

Submissions (2):

GeneDx
Classification: Pathogenic. Last evaluated: 2025-04-03. Review status: criteria provided, single submitter. Criteria: GeneDx Variant Classification Process June 2021. Collection method: clinical testing. Allele origin: germline. Affected: yes.
Comment: Frameshift variant predicted to result in protein truncation or nonsense mediated decay in a gene for which loss of function is a known mechanism of disease; Not observed at significant frequency in large population cohorts (gnomAD); Has not been previously published as pathogenic or benign to our knowledge; Also known as p.(I980Nfs*73); This variant is associated with the following publications: (PMID: 20179744)

Labcorp Genetics (formerly Invitae), Labcorp
Classification: Pathogenic. Last evaluated: 2024-01-31. Review status: criteria provided, single submitter. Criteria: Invitae Variant Classification Sherloc (09022015). Collection method: clinical testing. Allele origin: germline.
Comment: This sequence change creates a premature translational stop signal (p.Ile1180Asnfs*73) in the COL2A1 gene. It is expected to result in an absent or disrupted protein product. Loss-of-function variants in COL2A1 are known to be pathogenic (PMID: 20179744). This variant is not present in population databases (gnomAD no frequency). This variant has not been reported in the literature in individuals affected with COL2A1-related conditions. ClinVar contains an entry for this variant (Variation ID: 2034762). For these reasons, this variant has been classified as Pathogenic.

Literature cited by the submitters: PubMed 20179744 (cited by Labcorp Genetics (formerly Invitae), Labcorp).

NM_001844.5(COL2A1):c.3536dup (p.Ile1180fs)

Gene: COL2A1 (collagen type II alpha 1 chain; minus strand). Cytogenetic location: 12q13.11.
Variant type: Duplication.
Coding change: c.3536dup on transcript NM_001844.5 (MANE Select); coding-DNA position 3536, one base duplicated (G; older notation c.3536dupG).
Protein change: p.Ile1180fs; shifts the reading frame from isoleucine 1180.
Molecular consequence: frameshift variant.
Genome position (GRCh38, 1-based): chr12:47,976,024, C duplicated on the plus strand (G on the coding strand, the reverse complement: COL2A1 is on the minus strand); the first of 2 consecutive C bases (chr12:47,976,024-47,976,025); duplicating either gives the same sequence. VCF-style (leftmost placement, unchanged base first): chr12-47976023-T-TC. GRCh37 (hg19) VCF-style: chr12-48369806-T-TC.
Other names: c.3329dup, p.Ile1111fs (NM_033150.3); c.3536dup (NM_001844.4); short protein forms I1111fs, I1180fs.
Identifiers: ClinVar variation 2034762 (VCV002034762.5), dbSNP rs2540102575, ClinGen allele CA2575137638.